The following is an entry in ClinVar:

ClinVar aggregate classification (germline): Benign/Likely benign. Review status: criteria provided, multiple submitters, no conflicts (2 of 4 stars). 5 submissions from 5 submitters: Benign (3); Likely benign (2). Last evaluated 2026-02-03.

Conditions:
Progressive myoclonic epilepsy. Also called: Myoclonus epilepsy; Myoclonic Epilepsies, Progressive; Progressive myoclonus epilepsy; Familial progressive myoclonic epilepsy. Identifiers: Orphanet 308, Orphanet 98261, MedGen C0751778, MONDO:0020074.
Action myoclonus-renal failure syndrome. Also called: EPILEPSY, PROGRESSIVE MYOCLONIC, 4, WITH RENAL FAILURE; EPILEPSY, PROGRESSIVE MYOCLONIC, 4, WITHOUT RENAL FAILURE; SCARB2-Related Action Myoclonus-Renal Failure Syndrome; MYOCLONUS-NEPHROPATHY SYNDROME. Identifiers: Orphanet 163696, MedGen C0751779, MeSH D020191, MONDO:0009699, OMIM 254900.

Allele frequency attached by ClinVar (database versions not stated): gnomAD exomes 0.00011 and 0.00033; ExAC 0.00037; 1000 Genomes Project 0.00120; ESP Exome Variant Server 0.00123; gnomAD 0.00137 and 0.00148; 1000 Genomes Project 30x 0.00141; TOPMed 0.00158.
gnomAD v4.1: 363 of 1,554,690 alleles (0.023%); highest among the groups gnomAD compares: African/African-American, 0.43%; no homozygotes.

Submissions (5):

Labcorp Genetics (formerly Invitae), Labcorp
Classification: Benign for Progressive myoclonic epilepsy. Last evaluated: 2026-02-03. Review status: criteria provided, single submitter. Criteria: Invitae Variant Classification Sherloc (09022015). Collection method: clinical testing. Allele origin: germline.

ARUP Laboratories, Molecular Genetics and Genomics, ARUP Laboratories
Classification: Benign for Action myoclonus-renal failure syndrome. Last evaluated: 2024-10-11. Review status: criteria provided, single submitter. Criteria: ARUP Molecular Germline Variant Investigation Process 2024. Collection method: clinical testing. Allele origin: germline.

Blueprint Genetics
Classification: Likely benign. Last evaluated: 2023-12-27. Review status: criteria provided, single submitter. Criteria: ACMG Guidelines, 2015. Collection method: clinical testing. Allele origin: germline.

Fulgent Genetics
Classification: Likely benign for Action myoclonus-renal failure syndrome. Last evaluated: 2021-09-13. Review status: criteria provided, single submitter. Criteria: ACMG Guidelines, 2015. Collection method: clinical testing. Allele origin: unknown.

GeneDx
Classification: Benign. Last evaluated: 2015-01-02. Review status: criteria provided, single submitter. Criteria: GeneDx Variant Classification (06012015). Collection method: clinical testing. Allele origin: germline. Affected: yes.
Comment: This variant is considered likely benign or benign based on one or more of the following criteria: it is a conservative change, it occurs at a poorly conserved position in the protein, it is predicted to be benign by multiple in silico algorithms, and/or has population frequency not consistent with disease.

NM_005506.4(SCARB2):c.704+16T>C

Gene: SCARB2 (scavenger receptor class B member 2; minus strand). Cytogenetic location: 4q21.1.
Variant type: single nucleotide variant.
Coding change: c.704+16T>C on transcript NM_005506.4 (MANE Select); 16 bases into the intron after coding-DNA position 704, T replaced by C.
Molecular consequence: intron variant.
Genome position (GRCh38, 1-based): chr4:76,176,421, A>G on the plus strand (T>C on the coding strand, the complement: SCARB2 is on the minus strand). VCF-style: chr4-76176421-A-G. GRCh37 (hg19) VCF-style: chr4-77097574-A-G.
Other names: c.276-511T>C (NM_001204255.2).
Identifiers: ClinVar variation 206703 (VCV000206703.12), dbSNP rs199686576, ClinGen allele CA317056.